The following is an entry in ClinVar:

ClinVar aggregate classification (germline): Conflicting classifications of pathogenicity. Review status: criteria provided, conflicting classifications (1 of 4 stars). 2 submissions from 2 submitters: Likely pathogenic (1); Uncertain significance (1). Last evaluated 2025-03-19.

Conditions:
Baller-Gerold syndrome (BGS). Also called: CRANIOSYNOSTOSIS WITH RADIAL DEFECTS. Identifiers: Orphanet 1225, MedGen C0265308, MONDO:0009039, OMIM 218600.
Rapadilino syndrome. Identifiers: Orphanet 3021, MedGen C1849453, MONDO:0009955, OMIM 266280.
Rothmund-Thomson syndrome type 2 (RTS2). Identifiers: Orphanet 221016, MedGen C5203410, MONDO:0016369, OMIM 268400.

Submissions (2):

First Genomix Gene Laboratory, Genetic Diagnostics Department
Classification: Likely pathogenic for Baller-Gerold syndrome; Rapadilino syndrome; Rothmund-Thomson syndrome type 2. Last evaluated: 2025-03-19. Review status: criteria provided, single submitter. Criteria: ACMG Guidelines, 2015. Collection method: clinical testing. Allele origin: germline. Inheritance: Autosomal recessive inheritance. Affected: no. Observed: 1 variant allele.

Labcorp Genetics (formerly Invitae), Labcorp
Classification: Uncertain significance for Baller-Gerold syndrome. Last evaluated: 2022-10-26. Review status: criteria provided, single submitter. Criteria: Invitae Variant Classification Sherloc (09022015). Collection method: clinical testing. Allele origin: germline.
Comment: Variants that disrupt the consensus splice site are a relatively common cause of aberrant splicing (PMID: 17576681, 9536098). Algorithms developed to predict the effect of sequence changes on RNA splicing suggest that this variant may disrupt the consensus splice site. ClinVar contains an entry for this variant (Variation ID: 1404753). This variant has not been reported in the literature in individuals affected with RECQL4-related conditions. This variant is not present in population databases (gnomAD no frequency). This variant results in the deletion of part of exon 20 (c.3495_3502+23del) of the RECQL4 gene. While this variant is not anticipated to result in nonsense mediated decay, it likely alters RNA splicing and results in a disrupted protein product. In summary, the available evidence is currently insufficient to determine the role of this variant in disease. Therefore, it has been classified as a Variant of Uncertain Significance.

Literature cited by the submitters: PubMed 17576681 (cited by Labcorp Genetics (formerly Invitae), Labcorp); PubMed 9536098 (cited by Labcorp Genetics (formerly Invitae), Labcorp).

NM_004260.4(RECQL4):c.3495_3502+23del

Gene: RECQL4 (RecQ like helicase 4; minus strand). Cytogenetic location: 8q24.3.
Variant type: Deletion.
Coding change: c.3495_3502+23del on transcript NM_004260.4 (MANE Select); coding-DNA position 3495 through 23 bases into the intron after coding-DNA position 3502, 31 bases deleted.
Molecular consequence: splice donor variant.
Genome position (GRCh38, 1-based): chr8:144,511,658-144,511,688, 31 bases deleted. GRCh37 (hg19): chr8:145,737,041-145,737,071.
Identifiers: ClinVar variation 1404753 (VCV001404753.9), dbSNP rs1827224893, ClinGen allele CA1826365258.